The following is an entry in ClinVar:

GRCh37/hg19 Xq28(chrX:154124111-154564398)

Genes: F8A1 (coagulation factor VIII associated 1; plus strand), F8A2 (coagulation factor VIII associated 2; plus strand), FUNDC2 (FUN14 domain containing 2; plus strand), H2AB1 (H2A.B variant histone 1; plus strand), H2AB2 (H2A.B variant histone 2; plus strand) and 7 more. Cytogenetic location: Xq28.
Variant type: copy number loss.
Identifiers: ClinVar variation 189219 (VCV000189219.2).

ClinVar aggregate classification (germline): Pathogenic (0 of 4 stars; one submission).

Submission:

Baylor College of Medicine
Classification: Pathogenic. Review status: no assertion criteria provided. Criteria: clinical testing. Collection method: clinical testing. Allele origin: maternal, unknown. Affected: yes and no. Observed: 3 variant alleles. Clinical features observed: Overweight, Asymptomatic. Study: int22h1/int22h2-mediated Xq28 duplication/deletion.
Comment: Clinical characterization of int22h1/int22h2-mediated Xq28 duplication/deletion